The following is an entry in ClinVar:

ClinVar aggregate classification (germline): Uncertain significance (0 of 4 stars; one submission).

Allele frequency attached by ClinVar (database versions not stated): gnomAD 0.00001; gnomAD exomes 0.00001; TOPMed 0.00003.
gnomAD v4.1: 11 of 1,613,868 alleles (0.00068%); highest among the groups gnomAD compares: East Asian, 0.0089%; no homozygotes.

Submission:

Department of Pathology and Laboratory Medicine, Sinai Health System
Classification: Uncertain significance. Review status: no assertion criteria provided. Collection method: clinical testing. Allele origin: unknown. Affected: yes. Study: The Canadian Open Genetics Repository (COGR).
Comment: The SERPINA1 p.Pro386His variant was not identified in the literature nor was it identified in ClinVar, Cosmic, or LOVD 3.0, however the variant was identified in dbSNP (ID: rs569384943). The variant was also not identified in the following control databases: the 1000 Genomes Project, the NHLBI GO Exome Sequencing Project, the Exome Aggregation Consortium (August 8th 2016), or the Genome Aggregation Database (Feb 27, 2017).The p.Pro386 residue is conserved in mammals and computational analyses (PolyPhen-2, SIFT, AlignGVGD, BLOSUM, MutationTaster) provide inconsistent predictions regarding the impact to the protein; this information is not very predictive of pathogenicity. The variant occurs outside of the splicing consensus sequence and 3 of 4 in silico or computational prediction software programs (SpliceSiteFinder, MaxEntScan, NNSPLICE) do not predict a difference in splicing. In summary, based on the above information the clinical significance of this variant cannot be determined with certainty at this time. This variant is classified as a variant of uncertain significance.

NM_000295.5(SERPINA1):c.1157C>A (p.Pro386His)

Gene: SERPINA1 (serpin family A member 1; minus strand). Cytogenetic location: 14q32.13.
Variant type: single nucleotide variant.
Coding change: c.1157C>A on transcript NM_000295.5 (MANE Select); coding-DNA position 1157, C replaced by A.
Protein change: p.Pro386His; replaces proline 386 with histidine.
Molecular consequence: missense variant.
Genome position (GRCh38, 1-based): chr14:94,378,549, G>T on the plus strand (C>A on the coding strand, the complement: SERPINA1 is on the minus strand). VCF-style: chr14-94378549-G-T. GRCh37 (hg19) VCF-style: chr14-94844886-G-T.
Other names: c.1157C>A, p.Pro386His (NM_001002235.3, NM_001002236.3, NM_001127700.2 and 7 more transcripts); short protein forms P386H.
Identifiers: ClinVar variation 1050505 (VCV001050505.1), dbSNP rs569384943, ClinGen allele CA265860632.